The following is an entry in ClinVar:

ClinVar aggregate classification (germline): Uncertain significance (1 of 4 stars; one submission).

Conditions:
KBG syndrome (KBGS). Also called: ANKRD11-Related KBG Syndrome. Identifiers: Orphanet 2332, MedGen C0220687, MONDO:0007846, OMIM 148050.

gnomAD v4.1: 2 of 1,613,186 alleles (0.00012%); highest among the groups gnomAD compares: Non-Finnish European, 0.00017%; no homozygotes.

Submission:

Labcorp Genetics (formerly Invitae), Labcorp
Classification: Uncertain significance for KBG syndrome. Last evaluated: 2025-02-03. Review status: criteria provided, single submitter. Criteria: Invitae Variant Classification Sherloc (09022015). Collection method: clinical testing. Allele origin: germline.
Comment: This sequence change replaces glutamic acid, which is acidic and polar, with glycine, which is neutral and non-polar, at codon 1945 of the ANKRD11 protein (p.Glu1945Gly). This variant is not present in population databases (gnomAD no frequency). This variant has not been reported in the literature in individuals affected with ANKRD11-related conditions. Invitae Evidence Modeling of protein sequence and biophysical properties (such as structural, functional, and spatial information, amino acid conservation, physicochemical variation, residue mobility, and thermodynamic stability) indicates that this missense variant is not expected to disrupt ANKRD11 protein function with a negative predictive value of 95%. In summary, the available evidence is currently insufficient to determine the role of this variant in disease. Therefore, it has been classified as a Variant of Uncertain Significance.

NM_013275.6(ANKRD11):c.5834A>G (p.Glu1945Gly)

Gene: ANKRD11 (ankyrin repeat domain 11; minus strand). Cytogenetic location: 16q24.3.
Variant type: single nucleotide variant.
Coding change: c.5834A>G on transcript NM_013275.6 (MANE Select); coding-DNA position 5834, A replaced by G.
Protein change: p.Glu1945Gly; replaces glutamic acid 1945 with glycine.
Molecular consequence: missense variant.
Genome position (GRCh38, 1-based): chr16:89,280,708, T>C on the plus strand (A>G on the coding strand, the complement: ANKRD11 is on the minus strand). VCF-style: chr16-89280708-T-C. GRCh37 (hg19) VCF-style: chr16-89347116-T-C.
Other names: c.5834A>G, p.Glu1945Gly (NM_001256182.2, NM_001256183.2); short protein forms E1945G.
Identifiers: ClinVar variation 3637136 (VCV003637136.2).